The following is an entry in ClinVar:

NM_000186.4(CFH):c.1422del (p.Lys474fs)

Gene: CFH (complement factor H; plus strand). Cytogenetic location: 1q31.3.
Variant type: Deletion.
Coding change: c.1422del on transcript NM_000186.4 (MANE Select); coding-DNA position 1422, one base deleted (A; older notation c.1422delA).
Protein change: p.Lys474fs; shifts the reading frame from lysine 474.
Molecular consequence: frameshift variant.
Genome position (GRCh38, 1-based): chr1:196,713,820, A deleted; the last of 3 consecutive A bases (chr1:196,713,818-196,713,820); deleting any one gives the same sequence. VCF-style (leftmost placement, unchanged base first): chr1-196713817-GA-G. GRCh37 (hg19) VCF-style: chr1-196682947-GA-G.
Other names: short protein forms K474fs.
Identifiers: ClinVar variation 4291391 (VCV004291391.1).
Genomic context (GRCh38, chr1:196,713,817, plus strand): 5'-AGATATTGAGAATGGGTTTATTTCTGAATCTCAGTATACATATGCCTTAAAAGAAAAAGC[GA>G]AATATCAATGCAAACTAGGATATGTAACAGCAGATGGTGAAACATCAGGATCAATTACAT-3'

ClinVar aggregate classification (germline): Pathogenic (1 of 4 stars; one submission).

Conditions:
Atypical hemolytic-uremic syndrome. Identifiers: Orphanet 2134, MedGen C2931788, MONDO:0016244.

Submission:

Genomenon, Inc
Classification: Pathogenic for Atypical hemolytic-uremic syndrome. Last evaluated: 2025-10-02. Review status: criteria provided, single submitter. Criteria: Genomenon Sequence Variant Interpretation Standards - Updated. Collection method: curation. Allele origin: germline. Affected: yes.
Comment: CFH p.Lys474AsnfsTer6 (c.1422del) is a frameshift variant that results in the production of a truncated protein which is predicted to undergo nonsense-mediated mRNA decay. This variant has been observed in at least one proband affected with atypical hemolytic-uremic syndrome (PMID:11158219;33841858). The variant was found to segregate with disease in at least one affected family (PMID:11158219). It is absent or not present at a significant frequency in gnomAD. In conclusion, we classify CFH p.Lys474AsnfsTer6 (c.1422del) as a pathogenic variant.

Literature cited by the submitters: PubMed 11158219; PubMed 33841858.